The following is an entry in ClinVar:

NM_001040272.6(ADAMTSL1):c.1009T>G (p.Tyr337Asp)

Gene: ADAMTSL1 (ADAMTS like 1; plus strand). Cytogenetic location: 9p22.1.
Variant type: single nucleotide variant.
Coding change: c.1009T>G on transcript NM_001040272.6 (MANE Select); coding-DNA position 1009, T replaced by G.
Protein change: p.Tyr337Asp; replaces tyrosine 337 with aspartic acid.
Molecular consequence: missense variant.
Genome position (GRCh38, 1-based): chr9:18,661,997, T>G. VCF-style: chr9-18661997-T-G. GRCh37 (hg19) VCF-style: chr9-18661995-T-G.
Other names: c.1009T>G, p.Tyr337Asp (NM_052866.5); short protein forms Y337D.
Identifiers: ClinVar variation 2229135 (VCV002229135.5), dbSNP rs141659739, ClinGen allele CA4998921.

ClinVar aggregate classification (germline): Uncertain significance. Review status: criteria provided, single submitter (1 of 4 stars). 2 submissions from 2 submitters: Uncertain significance (1). 1 of the submissions does not count toward it. Last evaluated 2025-08-22.

Conditions:
ADAMTSL1-related disorder. Also called: ADAMTSL1-related condition.

Allele frequency attached by ClinVar (database versions not stated): 1000 Genomes Project 30x 0.00047; 1000 Genomes Project 0.00060; ExAC 0.00106; ESP Exome Variant Server 0.00123.
gnomAD v4.1: 2,604 of 1,614,104 alleles (0.16%); highest among the groups gnomAD compares: Non-Finnish European, 0.19%; 2 homozygotes.

Submissions (2):

Ambry Genetics
Classification: Uncertain significance. Last evaluated: 2025-08-22. Review status: criteria provided, single submitter. Criteria: Ambry Variant Classification Scheme 2023. Collection method: clinical testing. Allele origin: germline.

PreventionGenetics, part of Exact Sciences
Classification: Likely benign for ADAMTSL1-related condition. Last evaluated: 2022-05-20. Review status: no assertion criteria provided. Collection method: clinical testing. Allele origin: germline. Not counted in ClinVar's aggregate classification.
Comment: This variant is classified as likely benign based on ACMG/AMP sequence variant interpretation guidelines (Richards et al. 2015 PMID: 25741868, with internal and published modifications).